The following is an entry in ClinVar:

NM_024649.5(BBS1):c.1773G>A (p.Ala591=)

Genes: BBS1 (Bardet-Biedl syndrome 1; plus strand), ZDHHC24 (zDHHC palmitoyltransferase 24; minus strand). Cytogenetic location: 11q13.2.
Variant type: single nucleotide variant.
Coding change: c.1773G>A on transcript NM_024649.5 (MANE Select); coding-DNA position 1773, G replaced by A.
Protein change: p.Ala591=; no amino-acid change (alanine 591 retained).
Molecular consequence: synonymous variant. On other transcripts: intron variant (1).
Genome position (GRCh38, 1-based): chr11:66,532,028, G>A. VCF-style: chr11-66532028-G-A. GRCh37 (hg19) VCF-style: chr11-66299499-G-A.
Other names: c.560-2540C>T (NM_001348571.2).
Identifiers: ClinVar variation 697719 (VCV000697719.16), dbSNP rs147783319, ClinGen allele CA6123892.

ClinVar aggregate classification (germline): Likely benign. Review status: criteria provided, multiple submitters, no conflicts (2 of 4 stars). 5 submissions from 5 submitters: Likely benign (3). 2 of the submissions do not count toward it. Last evaluated 2026-01-27.

Conditions:
Bardet-Biedl syndrome (BBS). Identifiers: Orphanet 110, MedGen C0752166, MONDO:0015229.
Bardet-Biedl syndrome 1 (BBS1). Identifiers: MedGen C2936862, MONDO:0008854, OMIM 209900. Disease mechanism: loss of function.
BBS1-related disorder. Also called: BBS1-related condition.

Allele frequency attached by ClinVar (database versions not stated): gnomAD exomes 0.00004 and 0.00001; gnomAD 0.00005; ESP Exome Variant Server 0.00031; ExAC 0.00005; TOPMed 0.00006.
gnomAD v4.1: 27 of 1,604,370 alleles (0.0017%); highest among the groups gnomAD compares: Admixed American, 0.01%; no homozygotes.

Submissions (5):

Labcorp Genetics (formerly Invitae), Labcorp
Classification: Likely benign for Bardet-Biedl syndrome. Last evaluated: 2026-01-27. Review status: criteria provided, single submitter. Criteria: Invitae Variant Classification Sherloc (09022015). Collection method: clinical testing. Allele origin: germline.

Blueprint Genetics
Classification: Likely benign. Last evaluated: 2022-11-16. Review status: criteria provided, single submitter. Criteria: ACMG Guidelines, 2015. Collection method: clinical testing. Allele origin: germline.

Fulgent Genetics
Classification: Likely benign for Bardet-Biedl syndrome 1. Last evaluated: 2021-12-08. Review status: criteria provided, single submitter. Criteria: ACMG Guidelines, 2015. Collection method: clinical testing. Allele origin: unknown.

PreventionGenetics, part of Exact Sciences
Classification: Likely benign for BBS1-related condition. Last evaluated: 2020-11-07. Review status: no assertion criteria provided. Collection method: clinical testing. Allele origin: germline. Not counted in ClinVar's aggregate classification.
Comment: This variant is classified as likely benign based on ACMG/AMP sequence variant interpretation guidelines (Richards et al. 2015 PMID: 25741868, with internal and published modifications).

Natera, Inc.
Classification: Likely benign for Bardet-Biedl syndrome type 1. Last evaluated: 2020-02-22. Review status: no assertion criteria provided. Collection method: clinical testing. Allele origin: germline. Not counted in ClinVar's aggregate classification.